The following is an entry in ClinVar:

NM_001291303.3(FAT4):c.556C>G (p.Arg186Gly)

Gene: FAT4 (FAT atypical cadherin 4; plus strand). Cytogenetic location: 4q28.1.
Variant type: single nucleotide variant.
Coding change: c.556C>G on transcript NM_001291303.3 (MANE Select); coding-DNA position 556, C replaced by G.
Protein change: p.Arg186Gly; replaces arginine 186 with glycine.
Molecular consequence: missense variant.
Genome position (GRCh38, 1-based): chr4:125,316,967, C>G. VCF-style: chr4-125316967-C-G. GRCh37 (hg19) VCF-style: chr4-126238122-C-G.
Other names: c.556C>G, p.Arg186Gly (NM_001291285.3, NM_024582.6); short protein forms R186G.
Identifiers: ClinVar variation 2110126 (VCV002110126.4), dbSNP rs577129552, ClinGen allele CA3071833.

ClinVar aggregate classification (germline): Uncertain significance (1 of 4 stars; one submission).

gnomAD v4.1: 8 of 1,613,832 alleles (0.0005%); highest among the groups gnomAD compares: South Asian, 0.0055%; no homozygotes.

Submission:

Labcorp Genetics (formerly Invitae), Labcorp
Classification: Uncertain significance. Last evaluated: 2022-12-02. Review status: criteria provided, single submitter. Criteria: Invitae Variant Classification Sherloc (09022015). Collection method: clinical testing. Allele origin: germline.
Comment: In summary, the available evidence is currently insufficient to determine the role of this variant in disease. Therefore, it has been classified as a Variant of Uncertain Significance. Advanced modeling of protein sequence and biophysical properties (such as structural, functional, and spatial information, amino acid conservation, physicochemical variation, residue mobility, and thermodynamic stability) performed at Invitae indicates that this missense variant is not expected to disrupt FAT4 protein function. This variant has not been reported in the literature in individuals affected with FAT4-related conditions. This variant is present in population databases (rs577129552, gnomAD 0.006%). This sequence change replaces arginine, which is basic and polar, with glycine, which is neutral and non-polar, at codon 186 of the FAT4 protein (p.Arg186Gly).